The following is an entry in ClinVar:

ClinVar aggregate classification (germline): Uncertain significance (1 of 4 stars; one submission).

Allele frequency attached by ClinVar (database versions not stated): gnomAD exomes below 0.00001; TOPMed below 0.00001; gnomAD 0.00001.
gnomAD v4.1: 2 of 1,609,458 alleles (0.00012%); highest among the groups gnomAD compares: Admixed American, 0.0017%; no homozygotes.

Submission:

Labcorp Genetics (formerly Invitae), Labcorp
Classification: Uncertain significance. Last evaluated: 2022-04-16. Review status: criteria provided, single submitter. Criteria: Invitae Variant Classification Sherloc (09022015). Collection method: clinical testing. Allele origin: germline.
Comment: This variant has not been reported in the literature in individuals affected with MTPAP-related conditions. Algorithms developed to predict the effect of missense changes on protein structure and function (SIFT, PolyPhen-2, Align-GVGD) all suggest that this variant is likely to be tolerated. This variant is not present in population databases (gnomAD no frequency). This sequence change replaces threonine, which is neutral and polar, with serine, which is neutral and polar, at codon 335 of the MTPAP protein (p.Thr335Ser). In summary, the available evidence is currently insufficient to determine the role of this variant in disease. Therefore, it has been classified as a Variant of Uncertain Significance.

NM_018109.4(MTPAP):c.1003A>T (p.Thr335Ser)

Gene: MTPAP (mitochondrial poly(A) polymerase; minus strand). Cytogenetic location: 10p11.23.
Variant type: single nucleotide variant.
Coding change: c.1003A>T on transcript NM_018109.4 (MANE Select); coding-DNA position 1003, A replaced by T.
Protein change: p.Thr335Ser; replaces threonine 335 with serine.
Molecular consequence: missense variant.
Genome position (GRCh38, 1-based): chr10:30,322,607, T>A on the plus strand (A>T on the coding strand, the complement: MTPAP is on the minus strand). VCF-style: chr10-30322607-T-A. GRCh37 (hg19) VCF-style: chr10-30611536-T-A.
Other names: short protein forms T335S.
Identifiers: ClinVar variation 1957730 (VCV001957730.5), dbSNP rs1048802082, ClinGen allele CA205306771.